The following is an entry in ClinVar:

NM_001655.5(ARCN1):c.174C>G (p.Tyr58Ter)

Gene: ARCN1 (archain 1 coat protein complex I subunit delta; plus strand). Cytogenetic location: 11q23.3.
Variant type: single nucleotide variant.
Coding change: c.174C>G on transcript NM_001655.5 (MANE Select); coding-DNA position 174, C replaced by G.
Protein change: p.Tyr58Ter; replaces tyrosine 58 with a stop codon.
Molecular consequence: nonsense. On other transcripts: non-coding transcript variant (2), intron variant (3).
Genome position (GRCh38, 1-based): chr11:118,581,416, C>G. VCF-style: chr11-118581416-C-G. GRCh37 (hg19) VCF-style: chr11-118452131-C-G.
Other names: c.174C>G, p.Tyr58Ter (NM_001425073.1, NM_001425074.1, NM_001425077.1 and 2 more transcripts); c.117C>G, p.Tyr39Ter (NM_001425075.1); c.105C>G, p.Tyr35Ter (NM_001425076.1); c.4-1763C>G (NM_001142281.2, NM_001425081.1); c.4-2393C>G (NM_001425080.1); short protein forms Y39*, Y58*, Y35*.
Identifiers: ClinVar variation 4723761 (VCV004723761.1).

ClinVar aggregate classification (germline): Pathogenic (1 of 4 stars; one submission).

Submission:

Labcorp Genetics (formerly Invitae), Labcorp
Classification: Pathogenic. Last evaluated: 2025-12-18. Review status: criteria provided, single submitter. Criteria: Invitae Variant Classification Sherloc (09022015). Collection method: clinical testing. Allele origin: germline.
Comment: This sequence change creates a premature translational stop signal (p.Tyr58*) in the ARCN1 gene. It is expected to result in an absent or disrupted protein product. Loss-of-function variants in ARCN1 are known to be pathogenic (PMID: 27476655). This variant is not present in population databases (gnomAD no frequency). This variant has not been reported in the literature in individuals affected with ARCN1-related conditions. For these reasons, this variant has been classified as Pathogenic.

Literature cited by the submitters: PubMed 27476655.